The following is an entry in ClinVar:

ClinVar aggregate classification (germline): Conflicting classifications of pathogenicity. Review status: criteria provided, conflicting classifications (1 of 4 stars). 2 submissions from 2 submitters: Uncertain significance (1); Likely benign (1). Last evaluated 2017-04-27.

Conditions:
Hereditary spastic paraplegia 48. Also called: SPASTIC PARAPLEGIA 48, AUTOSOMAL RECESSIVE; Spastic paraplegia 48. Identifiers: Orphanet 306511, MedGen C3150901, MONDO:0013342, OMIM 613647.
Hereditary spastic paraplegia. Also called: Familial spastic paraparesis. Identifiers: Orphanet 685, MedGen C0037773, MONDO:0019064. Disease mechanism: loss of function.

Allele frequency attached by ClinVar (database versions not stated): 1000 Genomes Project 0.01238; 1000 Genomes Project 30x 0.01312; gnomAD 0.01683 and 0.01718; TOPMed 0.01719.

Submissions (2):

Illumina Laboratory Services, Illumina
Classification: Likely benign for Hereditary spastic paraplegia 48. Last evaluated: 2017-04-27. Review status: criteria provided, single submitter. Criteria: ICSL Variant Classification Criteria 13 December 2019. Collection method: clinical testing. Allele origin: germline.
Comment: This variant was observed as part of a predisposition screen in an ostensibly healthy population. A literature search was performed for the gene, cDNA change, and amino acid change (where applicable). No publications were found based on this search. Allele frequency data from public databases allowed determination this variant is unlikely to cause disease. Therefore, this variant is classified as likely benign.

Genome Diagnostics Laboratory, The Hospital for Sick Children
Classification: Uncertain significance for Hereditary spastic paraplegia. Last evaluated: 2016-12-20. Review status: criteria provided, single submitter. Criteria: ACMG Guidelines, 2015. Collection method: clinical testing. Allele origin: germline. Affected: yes.

NM_014855.3(AP5Z1):c.*2197A>G

Gene: AP5Z1 (adaptor related protein complex 5 subunit zeta 1; plus strand). Cytogenetic location: 7p22.1.
Variant type: single nucleotide variant.
Coding change: c.*2197A>G on transcript NM_014855.3 (MANE Select); 2197 bases downstream of the stop codon, A replaced by G.
Molecular consequence: 3 prime UTR variant. On other transcripts: non-coding transcript variant (1).
Genome position (GRCh38, 1-based): chr7:4,793,582, A>G. VCF-style: chr7-4793582-A-G. GRCh37 (hg19) VCF-style: chr7-4833213-A-G.
Other names: c.*2197A>G (NM_001364858.1).
Identifiers: ClinVar variation 908277 (VCV000908277.7), dbSNP rs187056670, ClinGen allele CA153040409.